The following is an entry in ClinVar:

ClinVar aggregate classification (germline): Likely benign (1 of 4 stars; one submission).

Conditions:
Tuberous sclerosis 1 (TSC1). Identifiers: Orphanet 805, MedGen C1854465, MONDO:0008612, OMIM 191100.

Submission:

Myriad Genetics, Inc.
Classification: Likely benign for Tuberous sclerosis 1. Last evaluated: 2025-04-09. Review status: criteria provided, single submitter. Criteria: Myriad Autosomal Dominant, Autosomal Recessive and X-Linked Classification Criteria (2023). Collection method: clinical testing. Allele origin: unknown.
Comment: This variant is considered likely benign. This variant is intronic and is not expected to impact mRNA splicing.

NM_000368.5(TSC1):c.1334-12G>C

Gene: TSC1 (TSC complex subunit 1; minus strand). Cytogenetic location: 9q34.13.
Variant type: single nucleotide variant.
Coding change: c.1334-12G>C on transcript NM_000368.5 (MANE Select); 12 bases into the intron before coding-DNA position 1334, G replaced by C.
Molecular consequence: intron variant.
Genome position (GRCh38, 1-based): chr9:132,906,847, C>G on the plus strand (G>C on the coding strand, the complement: TSC1 is on the minus strand). VCF-style: chr9-132906847-C-G. GRCh37 (hg19) VCF-style: chr9-135782234-C-G.
Other names: c.1334-12G>C (NM_001406601.1, NM_001406605.1, NM_001406594.1 and 7 more transcripts); c.281-12G>C (NM_001406630.1, NM_001406629.1); c.971-12G>C (NM_001406624.1, NM_001406616.1, NM_001406615.1 and 5 more transcripts); c.968-12G>C (NM_001406623.1, NM_001406620.1, NM_001406625.1 and 2 more transcripts); c.1331-12G>C (NM_001406599.1, NM_001406603.1, NM_001406609.1 and 6 more transcripts); c.1178-12G>C (NM_001406613.1, NM_001406612.1, NM_001406611.1); c.1181-12G>C (NM_001406610.1, NM_001162427.2); c.380-12G>C (NM_001406627.1, NM_001406628.1); and 1 more.
Identifiers: ClinVar variation 4071174 (VCV004071174.1).